The following is an entry in ClinVar:

NM_000090.4(COL3A1):c.1691G>T (p.Gly564Val)

Gene: COL3A1 (collagen type III alpha 1 chain; plus strand). Cytogenetic location: 2q32.2.
Variant type: single nucleotide variant.
Coding change: c.1691G>T on transcript NM_000090.4 (MANE Select); coding-DNA position 1691, G replaced by T.
Protein change: p.Gly564Val; replaces glycine 564 with valine.
Molecular consequence: missense variant.
Genome position (GRCh38, 1-based): chr2:188,996,426, G>T. VCF-style: chr2-188996426-G-T. GRCh37 (hg19) VCF-style: chr2-189861152-G-T.
Other names: short protein forms G564V.
Identifiers: ClinVar variation 4800320 (VCV004800320.1).

ClinVar aggregate classification (germline): Likely pathogenic (1 of 4 stars; one submission).

Conditions:
Ehlers-Danlos syndrome, type 4 (EDSVASC). Also called: Ehlers-Danlos syndrome vascular type; Ehlers Danlos syndrome, ecchymotic type; Ehlers Danlos syndrome, arterial type; Ehlers Danlos syndrome, Sack-Barabas type; Ehlers-Danlos Syndrome Type IV. Identifiers: Orphanet 286, MedGen C0268338, MONDO:0017314, OMIM 130050.

Submission:

Labcorp Genetics (formerly Invitae), Labcorp
Classification: Likely pathogenic for Ehlers-Danlos syndrome, type 4. Last evaluated: 2025-12-16. Review status: criteria provided, single submitter. Criteria: Invitae Variant Classification Sherloc (09022015). Collection method: clinical testing. Allele origin: germline.
Comment: This sequence change replaces glycine, which is neutral and non-polar, with valine, which is neutral and non-polar, at codon 564 of the COL3A1 protein (p.Gly564Val). This variant is not present in population databases (gnomAD no frequency). This variant has not been reported in the literature in individuals affected with COL3A1-related conditions. Invitae Evidence Modeling of protein sequence and biophysical properties (such as structural, functional, and spatial information, amino acid conservation, physicochemical variation, residue mobility, and thermodynamic stability) indicates that this missense variant is expected to disrupt COL3A1 protein function with a positive predictive value of 95%. This variant disrupts the triple helix domain of COL3A1. Glycine residues within the Gly-Xaa-Yaa repeats of the triple helix domain are required for the structure and stability of fibrillar collagens (PMID: 7695699, 8218237, 19344236). In COL3A1, variants that affect these glycine residues are significantly enriched in individuals with disease (PMID: 24922459, 25758994) compared to the general population (ExAC). In summary, the currently available evidence indicates that the variant is pathogenic, but additional data are needed to prove that conclusively. Therefore, this variant has been classified as Likely Pathogenic.

Literature cited by the submitters: PubMed 7695699; PubMed 8218237; PubMed 19344236; PubMed 24922459; PubMed 25758994.